The following is an entry in ClinVar:

ClinVar aggregate classification (germline): Likely pathogenic (1 of 4 stars; one submission).

Conditions:
Townes-Brocks syndrome 1 (TBS1). Also called: REAR SYNDROME; RENAL-EAR-ANAL-RADIAL SYNDROME; DEAFNESS, SENSORINEURAL, WITH IMPERFORATE ANUS AND THUMB ANOMALIES; SALL1-Related Townes-Brocks Syndrome. Identifiers: Orphanet 857, MedGen C4551481, MONDO:0054581, OMIM 107480.

Submission:

HudsonAlpha Institute for Biotechnology
Classification: Likely pathogenic for Townes-Brocks syndrome 1. Last evaluated: 2021-03-25. Review status: criteria provided, single submitter. Criteria: ACMG Guidelines, 2015. Collection method: research. Allele origin: inherited. Affected: yes. Observed: 1 variant allele. Study: CSER-SouthSeq.
Comment: ACMG codes:PVS1; PM2

NM_002968.3(SALL1):c.269dup (p.Pro91fs)

Gene: SALL1 (spalt like transcription factor 1; minus strand). Cytogenetic location: 16q12.1.
Variant type: Duplication.
Coding change: c.269dup on transcript NM_002968.3 (MANE Select); coding-DNA position 269, one base duplicated (C; older notation c.269dupC).
Protein change: p.Pro91fs; shifts the reading frame from proline 91.
Molecular consequence: frameshift variant. On other transcripts: 5 prime UTR variant (1).
Genome position (GRCh38, 1-based): chr16:51,141,953, G duplicated on the plus strand (C on the coding strand, the reverse complement: SALL1 is on the minus strand); the first of 6 consecutive G bases (chr16:51,141,953-51,141,958); duplicating any one gives the same sequence. VCF-style (leftmost placement, unchanged base first): chr16-51141952-A-AG. GRCh37 (hg19) VCF-style: chr16-51175863-A-AG.
Other names: c.-23dup (NM_001127892.2); short protein forms P91fs.
Identifiers: ClinVar variation 1048611 (VCV001048611.1), dbSNP rs2143452445, ClinGen allele CA2499223552.